The following is an entry in ClinVar:

ClinVar aggregate classification (germline): Uncertain significance. Review status: criteria provided, multiple submitters, no conflicts (2 of 4 stars). 5 submissions from 5 submitters: Uncertain significance (5). Last evaluated 2025-02-05.

Conditions:
Hereditary cancer-predisposing syndrome. Also called: Hereditary neoplastic syndrome; Tumor predisposition; Neoplastic Syndromes, Hereditary; Hereditary Cancer Syndrome. Identifiers: Orphanet 140162, MedGen C0027672, MeSH D009386, MONDO:0015356.
Cardiovascular phenotype. Identifiers: MedGen CN230736.
Juvenile myelomonocytic leukemia (JMML). Also called: LEUKEMIA, JUVENILE MYELOMONOCYTIC, SOMATIC. Identifiers: Orphanet 86834, MedGen C0349639, MONDO:0011908, OMIM 607785, HP:0012209.
Neurofibromatosis, type 1 (NF1). Also called: Neurofibromatosis, type I; VON RECKLINGHAUSEN DISEASE; Peripheral type neurofibromatosis; NEUROFIBROMATOSIS, TYPE I, SOMATIC. Identifiers: Orphanet 636, MedGen C0027831, MONDO:0018975, OMIM 162200. Disease mechanism: loss of function.

Allele frequency attached by ClinVar (database versions not stated): gnomAD 0.00001; TOPMed 0.00001.
gnomAD v4.1: 1 of 1,613,626 alleles (0.000062%); highest among the groups gnomAD compares: Non-Finnish European, 0.000085%; no homozygotes.

Submissions (5):

Labcorp Genetics (formerly Invitae), Labcorp
Classification: Uncertain significance for Neurofibromatosis, type 1. Last evaluated: 2025-02-05. Review status: criteria provided, single submitter. Criteria: Invitae Variant Classification Sherloc (09022015). Collection method: clinical testing. Allele origin: germline.
Comment: This sequence change replaces alanine, which is neutral and non-polar, with glycine, which is neutral and non-polar, at codon 782 of the NF1 protein (p.Ala782Gly). This variant is not present in population databases (gnomAD no frequency). This variant has not been reported in the literature in individuals affected with NF1-related conditions. ClinVar contains an entry for this variant (Variation ID: 861382). Invitae Evidence Modeling of protein sequence and biophysical properties (such as structural, functional, and spatial information, amino acid conservation, physicochemical variation, residue mobility, and thermodynamic stability) indicates that this missense variant is not expected to disrupt NF1 protein function with a negative predictive value of 95%. In summary, the available evidence is currently insufficient to determine the role of this variant in disease. Therefore, it has been classified as a Variant of Uncertain Significance.

Baylor Genetics
Classification: Uncertain significance for Juvenile myelomonocytic leukemia. Last evaluated: 2023-05-22. Review status: criteria provided, single submitter. Criteria: ACMG Guidelines, 2015. Collection method: clinical testing. Allele origin: unknown.

Genome-Nilou Lab
Classification: Uncertain significance for Neurofibromatosis, type 1. Last evaluated: 2022-03-15. Review status: criteria provided, single submitter. Criteria: ACMG Guidelines, 2015. Collection method: clinical testing. Allele origin: germline. Affected: no.

Ambry Genetics
Classification: Uncertain significance for Cardiovascular phenotype; Hereditary cancer-predisposing syndrome. Last evaluated: 2021-11-30. Review status: criteria provided, single submitter. Criteria: Ambry Variant Classification Scheme 2023. Collection method: clinical testing. Allele origin: germline.
Comment: The p.A782G variant (also known as c.2345C>G), located in coding exon 20 of the NF1 gene, results from a C to G substitution at nucleotide position 2345. The alanine at codon 782 is replaced by glycine, an amino acid with similar properties. This amino acid position is not well conserved in available vertebrate species. In addition, this alteration is predicted to be tolerated by in silico analysis. Since supporting evidence is limited at this time, the clinical significance of this alteration remains unclear.

Institute for Clinical Genetics, University Hospital TU Dresden, University Hospital TU Dresden
Classification: Uncertain significance. Last evaluated: 2021-11-03. Review status: criteria provided, single submitter. Criteria: ACMG Guidelines, 2015. Collection method: clinical testing. Allele origin: germline.

NM_001042492.3(NF1):c.2345C>G (p.Ala782Gly)

Gene: NF1 (neurofibromin 1; plus strand). Cytogenetic location: 17q11.2.
Variant type: single nucleotide variant.
Coding change: c.2345C>G on transcript NM_001042492.3 (MANE Select); coding-DNA position 2345, C replaced by G.
Protein change: p.Ala782Gly; replaces alanine 782 with glycine.
Molecular consequence: missense variant.
Genome position (GRCh38, 1-based): chr17:31,227,542, C>G. VCF-style: chr17-31227542-C-G. GRCh37 (hg19) VCF-style: chr17-29554560-C-G.
Other names: c.2345C>G (NM_001042492.1); c.2345C>G, p.Ala782Gly (NM_000267.4); short protein forms A782G.
Identifiers: ClinVar variation 861382 (VCV000861382.13), dbSNP rs1203924788, ClinGen allele CA398983079.